The following is an entry in ClinVar:

ClinVar aggregate classification (germline): Uncertain significance (1 of 4 stars; one submission).

Conditions:
Ataxia-telangiectasia syndrome (AT). Also called: Cerebello-oculocutaneous telangiectasia; ATAXIA-TELANGIECTASIA, COMPLEMENTATION GROUP A; ATAXIA-TELANGIECTASIA, FRESNO VARIANT; Ataxia-telangiectasia, complementation group D; AT, COMPLEMENTATION GROUP C; Immunodeficiency with ataxia telangiectasia. Identifiers: Orphanet 100, MedGen C0004135, MONDO:0008840, OMIM 208900.

Submission:

Labcorp Genetics (formerly Invitae), Labcorp
Classification: Uncertain significance for Ataxia-telangiectasia syndrome. Last evaluated: 2022-09-23. Review status: criteria provided, single submitter. Criteria: Invitae Variant Classification Sherloc (09022015). Collection method: clinical testing. Allele origin: germline.
Comment: This sequence change replaces threonine, which is neutral and polar, with serine, which is neutral and polar, at codon 372 of the ATM protein (p.Thr372Ser). This variant is not present in population databases (gnomAD no frequency). This variant has not been reported in the literature in individuals affected with ATM-related conditions. Algorithms developed to predict the effect of missense changes on protein structure and function (SIFT, PolyPhen-2, Align-GVGD) all suggest that this variant is likely to be tolerated. In summary, the available evidence is currently insufficient to determine the role of this variant in disease. Therefore, it has been classified as a Variant of Uncertain Significance.

NM_000051.4(ATM):c.1114A>T (p.Thr372Ser)

Gene: ATM (ATM serine/threonine kinase; plus strand). Cytogenetic location: 11q22.3.
Variant type: single nucleotide variant.
Coding change: c.1114A>T on transcript NM_000051.4 (MANE Select); coding-DNA position 1114, A replaced by T.
Protein change: p.Thr372Ser; replaces threonine 372 with serine.
Molecular consequence: missense variant.
Genome position (GRCh38, 1-based): chr11:108,248,981, A>T. VCF-style: chr11-108248981-A-T. GRCh37 (hg19) VCF-style: chr11-108119708-A-T.
Other names: c.1114A>T, p.Thr372Ser (NM_001351834.2); short protein forms T372S.
Identifiers: ClinVar variation 1720114 (VCV001720114.5), dbSNP rs1591517491, ClinGen allele CA382532412.